The following is an entry in ClinVar:

NM_001089.3(ABCA3):c.2902G>A (p.Val968Met)

Gene: ABCA3 (ATP binding cassette subfamily A member 3; minus strand). Cytogenetic location: 16p13.3.
Variant type: single nucleotide variant.
Coding change: c.2902G>A on transcript NM_001089.3 (MANE Select); coding-DNA position 2902, G replaced by A.
Protein change: p.Val968Met; replaces valine 968 with methionine.
Molecular consequence: missense variant.
Genome position (GRCh38, 1-based): chr16:2,288,128, C>T on the plus strand (G>A on the coding strand, the complement: ABCA3 is on the minus strand). VCF-style: chr16-2288128-C-T. GRCh37 (hg19) VCF-style: chr16-2338129-C-T.
Other names: short protein forms V968M.
Identifiers: ClinVar variation 4536229 (VCV004536229.2).

ClinVar aggregate classification (germline): Uncertain significance. Review status: criteria provided, multiple submitters, no conflicts (2 of 4 stars). 2 submissions from 2 submitters: Uncertain significance (2). Last evaluated 2025-06-03.

Conditions:
ABCA3-related disorder. Also called: ABCA3-related condition.

gnomAD v4.1: 67 of 1,613,028 alleles (0.0042%); highest among the groups gnomAD compares: African/African-American, 0.077%; no homozygotes.

Submissions (2):

GeneDx
Classification: Uncertain significance. Last evaluated: 2025-06-03. Review status: criteria provided, single submitter. Criteria: GeneDx Variant Classification Process June 2021. Collection method: clinical testing. Allele origin: germline. Affected: yes.
Comment: Reported in a patient with idiopathic pulmonary fibrosis in the published literature (PMID: 28642621); In silico analysis supports that this missense variant has a deleterious effect on protein structure/function; This variant is associated with the following publications: (PMID: 23166334, 28642621)

PreventionGenetics, part of Exact Sciences
Classification: Uncertain significance for ABCA3-related condition. Last evaluated: 2025-04-04. Review status: criteria provided, single submitter. Criteria: ACMG Guidelines, 2015. Collection method: clinical testing. Allele origin: germline.
Comment: The ABCA3 c.2902G>A variant is predicted to result in the amino acid substitution p.Val968Met. This variant along with a second variant in this gene has been reported in an individual with pulmonary fibrosis, although conclusive evidence of pathogenicity was not presented (Zhou et al. 2017. PubMed ID: 28642621). This variant is reported in 0.073% of alleles in individuals of African descent in gnomAD. At this time, the clinical significance of this variant is uncertain due to the absence of conclusive functional and genetic evidence.